The following is an entry in ClinVar:

NM_004655.4(AXIN2):c.1376G>T (p.Arg459Leu)

Gene: AXIN2 (axin 2; minus strand). Cytogenetic location: 17q24.1.
Variant type: single nucleotide variant.
Coding change: c.1376G>T on transcript NM_004655.4 (MANE Select); coding-DNA position 1376, G replaced by T.
Protein change: p.Arg459Leu; replaces arginine 459 with leucine.
Molecular consequence: missense variant.
Genome position (GRCh38, 1-based): chr17:65,537,660, C>A on the plus strand (G>T on the coding strand, the complement: AXIN2 is on the minus strand). VCF-style: chr17-65537660-C-A. GRCh37 (hg19) VCF-style: chr17-63533778-C-A.
Other names: c.1376G>T, p.Arg459Leu (NM_001363813.1); short protein forms R459L.
Identifiers: ClinVar variation 2151017 (VCV002151017.7), dbSNP rs368525111, ClinGen allele CA400677622.
Genomic context (GRCh38, chr17:65,537,660, plus strand): 5'-GAGTGGTACTGCGAATGGTGGTGGTGGTGGTGGTCCGGGGAGCGGGAGCGGGGGCTATAG[C>A]GGCCTACGCCTGGAGACTGGCAGCCAGGGGTCTTGAGGACCCTGGACAGGTGATCGTCCA-3'
Protein context (NP_004646.3, residues 449-469): TPGCQSPGVG[Arg459Leu]YSPRSRSPDH

ClinVar aggregate classification (germline): Uncertain significance. Review status: criteria provided, multiple submitters, no conflicts (2 of 4 stars). 3 submissions from 3 submitters: Uncertain significance (3). Last evaluated 2026-07-14.

Conditions:
Oligodontia-cancer predisposition syndrome. Also called: TOOTH AGENESIS-COLORECTAL CANCER SYNDROME. Identifiers: Orphanet 300576, MedGen C1837750, MONDO:0012075, OMIM 608615. Disease mechanism: loss of function.
Hereditary cancer-predisposing syndrome. Also called: Tumor predisposition; Hereditary Cancer Syndrome; Hereditary neoplastic syndrome; Neoplastic Syndromes, Hereditary. Identifiers: Orphanet 140162, MedGen C0027672, MeSH D009386, MONDO:0015356.

gnomAD v4.1: 3 of 1,563,444 alleles (0.00019%); highest among the groups gnomAD compares: East Asian, 0.0023%; no homozygotes.

Submissions (3):

Ambry Genetics
Classification: Uncertain significance for Hereditary cancer-predisposing syndrome. Last evaluated: 2026-07-14. Review status: criteria provided, single submitter. Criteria: Ambry Variant Classification Scheme 2023. Collection method: clinical testing. Allele origin: germline.

Labcorp Genetics (formerly Invitae), Labcorp
Classification: Uncertain significance for Oligodontia-cancer predisposition syndrome. Last evaluated: 2025-07-25. Review status: criteria provided, single submitter. Criteria: Invitae Variant Classification Sherloc (09022015). Collection method: clinical testing. Allele origin: germline.
Comment: This sequence change replaces arginine, which is basic and polar, with leucine, which is neutral and non-polar, at codon 459 of the AXIN2 protein (p.Arg459Leu). This variant is not present in population databases (gnomAD no frequency). This variant has not been reported in the literature in individuals affected with AXIN2-related conditions. ClinVar contains an entry for this variant (Variation ID: 2151017). An algorithm developed to predict the effect of missense changes on protein structure and function (PolyPhen-2) suggests that this variant is likely to be disruptive. In summary, the available evidence is currently insufficient to determine the role of this variant in disease. Therefore, it has been classified as a Variant of Uncertain Significance.

GeneDx
Classification: Uncertain significance. Last evaluated: 2024-06-24. Review status: criteria provided, single submitter. Criteria: GeneDx Variant Classification Process June 2021. Collection method: clinical testing. Allele origin: germline. Affected: yes.
Comment: Not observed at significant frequency in large population cohorts (gnomAD); In silico analysis supports that this missense variant has a deleterious effect on protein structure/function; Has not been previously published as pathogenic or benign to our knowledge; This variant is associated with the following publications: (PMID: 31127692, 15735151)